The following is an entry in ClinVar:

ClinVar aggregate classification (germline): Uncertain significance (1 of 4 stars; one submission).

Conditions:
PURA-related severe neonatal hypotonia-seizures-encephalopathy syndrome (NEDRIHF). Also called: NEURODEVELOPMENTAL DISORDER WITH NEONATAL RESPIRATORY INSUFFICIENCY, HYPOTONIA, AND FEEDING DIFFICULTIES; PURA-Related Neurodevelopmental Disorders. Identifiers: Orphanet 438213, Orphanet 438216, MedGen C4015357, MONDO:1060108, OMIM 616158, MONDO:0018580.

Submission:

Labcorp Genetics (formerly Invitae), Labcorp
Classification: Uncertain significance for PURA-related severe neonatal hypotonia-seizures-encephalopathy syndrome. Last evaluated: 2025-05-17. Review status: criteria provided, single submitter. Criteria: Invitae Variant Classification Sherloc (09022015). Collection method: clinical testing. Allele origin: germline.
Comment: This variant, c.884_892del, results in the deletion of 3 amino acid(s) of the PURA protein (p.Leu295_Gln297del), but otherwise preserves the integrity of the reading frame. This variant is not present in population databases (gnomAD no frequency). This variant has not been reported in the literature in individuals affected with PURA-related conditions. ClinVar contains an entry for this variant (Variation ID: 956499). Experimental studies and prediction algorithms are not available or were not evaluated, and the functional significance of this variant is currently unknown. In summary, the available evidence is currently insufficient to determine the role of this variant in disease. Therefore, it has been classified as a Variant of Uncertain Significance.

NM_005859.5(PURA):c.884_892del (p.Leu295_Gln297del)

Gene: PURA (purine rich element binding protein A; plus strand). Cytogenetic location: 5q31.3.
Variant type: Deletion.
Coding change: c.884_892del on transcript NM_005859.5 (MANE Select); coding-DNA positions 884 to 892, 9 bases deleted (TTCACCAGC; older notation c.884_892delTTCACCAGC).
Protein change: p.Leu295_Gln297del.
Molecular consequence: inframe deletion.
Genome position (GRCh38, 1-based): chr5:140,115,065-140,115,073, TTCACCAGC deleted; deleting any 9 consecutive bases within chr5:140,115,061-140,115,073 gives the same sequence; the c. name uses the placement nearest the transcript's 3' end. VCF-style (leftmost placement, unchanged base first): chr5-140115060-GCAGCTTCAC-G. GRCh37 (hg19) VCF-style: chr5-139494645-GCAGCTTCAC-G.
Identifiers: ClinVar variation 956499 (VCV000956499.10), dbSNP rs1763056656, ClinGen allele CA1139659107.
Genomic context (GRCh38, chr5:140,115,060, plus strand): 5'-GTACTCGGAGGAGATGAAGAAGATTCAAGAGAAGCAGAGGGAGAAGCGGGCTGCCTGTGA[GCAGCTTCAC>G]CAGCAGCAACAGCAGCAGCAGGAGGAGACCGCCGCTGCCACCCTGCTACTGCAGGGTGAG-3'